The following is an entry in ClinVar:

ClinVar aggregate classification (germline): Uncertain significance (1 of 4 stars; one submission).

Conditions:
Joubert syndrome. Also called: CEREBELLOPARENCHYMAL DISORDER IV; JOUBERT-BOLTSHAUSER SYNDROME; Familial aplasia of the vermis. Identifiers: Orphanet 475, MedGen C5979921, MONDO:0018772.
Meckel-Gruber syndrome. Also called: DYSENCEPHALIA SPLANCHNOCYSTICA; GRUBER SYNDROME; Dysencephalia splachnocystica. Identifiers: Orphanet 564, MedGen C0265215, MONDO:0018921.

Submission:

Labcorp Genetics (formerly Invitae), Labcorp
Classification: Uncertain significance for Joubert syndrome; Meckel-Gruber syndrome. Last evaluated: 2022-01-16. Review status: criteria provided, single submitter. Criteria: Invitae Variant Classification Sherloc (09022015). Collection method: clinical testing. Allele origin: germline.
Comment: This sequence change replaces threonine, which is neutral and polar, with serine, which is neutral and polar, at codon 8 of the MKS1 protein (p.Thr8Ser). This variant is not present in population databases (gnomAD no frequency). This variant has not been reported in the literature in individuals affected with MKS1-related conditions. Advanced modeling of protein sequence and biophysical properties (such as structural, functional, and spatial information, amino acid conservation, physicochemical variation, residue mobility, and thermodynamic stability) performed at Invitae indicates that this missense variant is not expected to disrupt MKS1 protein function. In summary, the available evidence is currently insufficient to determine the role of this variant in disease. Therefore, it has been classified as a Variant of Uncertain Significance.

NM_017777.4(MKS1):c.23C>G (p.Thr8Ser)

Genes: MKS1 (MKS transition zone complex subunit 1; minus strand), LOC130061271 (ATAC-STARR-seq lymphoblastoid active region 12461; plus strand). Cytogenetic location: 17q22.
Variant type: single nucleotide variant.
Coding change: c.23C>G on transcript NM_017777.4 (MANE Select); coding-DNA position 23, C replaced by G.
Protein change: p.Thr8Ser; replaces threonine 8 with serine.
Molecular consequence: missense variant. On other transcripts: 5 prime UTR variant (1).
Genome position (GRCh38, 1-based): chr17:58,219,208, G>C on the plus strand (C>G on the coding strand, the complement: MKS1 is on the minus strand). VCF-style: chr17-58219208-G-C. GRCh37 (hg19) VCF-style: chr17-56296569-G-C.
Other names: c.-489C>G (NM_001321268.2); c.23C>G, p.Thr8Ser (NM_001321269.2, NM_001330397.2, NM_001411113.1); short protein forms T8S.
Identifiers: ClinVar variation 1980535 (VCV001980535.1), dbSNP rs754729482, ClinGen allele CA400328214.